The following is an entry in ClinVar:

NM_173546.3(KLHDC8B):c.542-13A>G

Gene: KLHDC8B (kelch domain containing 8B; plus strand). Cytogenetic location: 3p21.31.
Variant type: single nucleotide variant.
Coding change: c.542-13A>G on transcript NM_173546.3 (MANE Select); 13 bases into the intron before coding-DNA position 542, A replaced by G.
Molecular consequence: intron variant.
Genome position (GRCh38, 1-based): chr3:49,174,729, A>G. VCF-style: chr3-49174729-A-G. GRCh37 (hg19) VCF-style: chr3-49212162-A-G.
Identifiers: ClinVar variation 3699309 (VCV003699309.2).

ClinVar aggregate classification (germline): Uncertain significance (1 of 4 stars; one submission).

gnomAD v4.1: 3 of 1,594,628 alleles (0.00019%); highest among the groups gnomAD compares: Non-Finnish European, 0.00017%; no homozygotes.

Submission:

Labcorp Genetics (formerly Invitae), Labcorp
Classification: Uncertain significance. Last evaluated: 2024-06-25. Review status: criteria provided, single submitter. Criteria: Invitae Variant Classification Sherloc (09022015). Collection method: clinical testing. Allele origin: germline.
Comment: This sequence change falls in intron 3 of the KLHDC8B gene. It does not directly change the encoded amino acid sequence of the KLHDC8B protein. This variant is not present in population databases (gnomAD no frequency). This variant has not been reported in the literature in individuals affected with KLHDC8B-related conditions. Algorithms developed to predict the effect of sequence changes on RNA splicing suggest that this variant may disrupt the consensus splice site. In summary, the available evidence is currently insufficient to determine the role of this variant in disease. Therefore, it has been classified as a Variant of Uncertain Significance.